The following is an entry in ClinVar:

NM_153717.3(EVC):c.1979C>T (p.Thr660Met)

Gene: EVC (EvC ciliary complex subunit 1; plus strand). Cytogenetic location: 4p16.2.
Variant type: single nucleotide variant.
Coding change: c.1979C>T on transcript NM_153717.3 (MANE Select); coding-DNA position 1979, C replaced by T.
Protein change: p.Thr660Met; replaces threonine 660 with methionine.
Molecular consequence: missense variant.
Genome position (GRCh38, 1-based): chr4:5,797,114, C>T. VCF-style: chr4-5797114-C-T. GRCh37 (hg19) VCF-style: chr4-5798841-C-T.
Other names: c.1979C>T (NM_153717.2); c.1979C>T, p.Thr660Met (NM_001306090.2); short protein forms T660M.
Identifiers: ClinVar variation 2654612 (VCV002654612.25), dbSNP rs550100215, ClinGen allele CA2836335.

ClinVar aggregate classification (germline): Conflicting classifications of pathogenicity. Review status: criteria provided, conflicting classifications (1 of 4 stars). 2 submissions from 2 submitters: Uncertain significance (1); Likely benign (1). Last evaluated 2024-08-07.

Conditions:
Inborn genetic diseases. Identifiers: MedGen C0950123, MeSH D030342.

Allele frequency attached by ClinVar (database versions not stated): ExAC 0.00001.
gnomAD v4.1: 24 of 1,613,592 alleles (0.0015%); highest among the groups gnomAD compares: South Asian, 0.0022%; no homozygotes.

Submissions (2):

Ambry Genetics
Classification: Uncertain significance for Inborn genetic diseases. Last evaluated: 2024-08-07. Review status: criteria provided, single submitter. Criteria: Ambry Variant Classification Scheme 2023. Collection method: clinical testing. Allele origin: germline.

CeGaT Center for Human Genetics Tuebingen
Classification: Likely benign. Last evaluated: 2023-03-01. Review status: criteria provided, single submitter. Criteria: CeGaT Center For Human Genetics Tuebingen Variant Classification Criteria Version 2. Collection method: clinical testing. Allele origin: germline. Affected: yes. Observed: 1 variant allele.
Comment: EVC: BP4